The following is an entry in ClinVar:

NM_002609.4(PDGFRB):c.1748A>G (p.Asp583Gly)

Gene: PDGFRB (platelet derived growth factor receptor beta; minus strand). Cytogenetic location: 5q32.
Variant type: single nucleotide variant.
Coding change: c.1748A>G on transcript NM_002609.4 (MANE Select); coding-DNA position 1748, A replaced by G.
Protein change: p.Asp583Gly; replaces aspartic acid 583 with glycine.
Molecular consequence: missense variant.
Genome position (GRCh38, 1-based): chr5:150,125,504, T>C on the plus strand (A>G on the coding strand, the complement: PDGFRB is on the minus strand). VCF-style: chr5-150125504-T-C. GRCh37 (hg19) VCF-style: chr5-149505067-T-C.
Other names: c.1556A>G, p.Asp519Gly (NM_001355016.2); c.1265A>G, p.Asp422Gly (NM_001355017.2); short protein forms D422G, D519G, D583G.
Identifiers: ClinVar variation 4976117 (VCV004976117.1).

ClinVar aggregate classification (germline): Uncertain significance (1 of 4 stars; one submission).

Submission:

GeneDx
Classification: Uncertain significance. Last evaluated: 2026-02-04. Review status: criteria provided, single submitter. Criteria: GeneDx Variant Classification Process June 2021. Collection method: clinical testing. Allele origin: germline.
Comment: Not observed at significant frequency in large population cohorts (gnomAD); In silico analysis supports that this missense variant has a deleterious effect on protein structure/function; Has not been previously published as pathogenic or benign to our knowledge